The following is an entry in ClinVar:

NM_000428.3(LTBP2):c.818C>T (p.Ser273Leu)

Gene: LTBP2 (latent transforming growth factor beta binding protein 2; minus strand). Cytogenetic location: 14q24.3.
Variant type: single nucleotide variant.
Coding change: c.818C>T on transcript NM_000428.3 (MANE Select); coding-DNA position 818, C replaced by T.
Protein change: p.Ser273Leu; replaces serine 273 with leucine.
Molecular consequence: missense variant.
Genome position (GRCh38, 1-based): chr14:74,585,866, G>A on the plus strand (C>T on the coding strand, the complement: LTBP2 is on the minus strand). VCF-style: chr14-74585866-G-A. GRCh37 (hg19) VCF-style: chr14-75052569-G-A.
Other names: short protein forms S273L.
Identifiers: ClinVar variation 314315 (VCV000314315.37), dbSNP rs143282840, ClinGen allele CA7270085.
Genomic context (GRCh38, chr14:74,585,866, plus strand): 5'-AAAGAGACTGAGCCCCAGACCCCAAGCCCCATGGAGAAGGGGACTTACCCAGCTGGTGGC[G>A]ACTGTGGTGCGGGCGGCGACTGTGGTGCTGGCGGCTGTGCTCTGGCCAAGGTGCCCTCTC-3'
Protein context (NP_000419.1, residues 263-283): PAPQSPPAPQ[Ser273Leu]PPAGTLSGLS

ClinVar aggregate classification (germline): Conflicting classifications of pathogenicity. Review status: criteria provided, conflicting classifications (1 of 4 stars). 6 submissions from 5 submitters: Uncertain significance (3); Likely benign (3). Last evaluated 2025-12-20.

Conditions:
Glaucoma 3, primary congenital, D. Identifiers: Orphanet 98976, MedGen C2751316, MONDO:0013122, OMIM 613086.
Weill-Marchesani syndrome. Also called: WM Syndrome; Mesodermal dysmorphodystrophy congenital. Identifiers: Orphanet 3449, MedGen C0265313, MONDO:0018096.
Weill-Marchesani syndrome 3 (WMS3). Also called: Weill-Marchesani syndrome 3, recessive; LTBP2-Related Weill-Marchesani Syndrome. Identifiers: Orphanet 3449, MedGen C3553785, MONDO:0013899, OMIM 614819.

Allele frequency attached by ClinVar (database versions not stated): ESP Exome Variant Server 0.00015; gnomAD 0.00032; TOPMed 0.00051.
gnomAD v4.1: 653 of 1,613,290 alleles (0.04%); highest among the groups gnomAD compares: South Asian, 0.15%; 4 homozygotes.

Submissions (6):

Labcorp Genetics (formerly Invitae), Labcorp
Classification: Likely benign. Last evaluated: 2025-12-20. Review status: criteria provided, single submitter. Criteria: Invitae Variant Classification Sherloc (09022015). Collection method: clinical testing. Allele origin: germline.

Blueprint Genetics
Classification: Likely benign. Last evaluated: 2024-11-01. Review status: criteria provided, single submitter. Criteria: ACMG Guidelines, 2015. Collection method: clinical testing. Allele origin: germline.

CeGaT Center for Human Genetics Tuebingen
Classification: Likely benign. Last evaluated: 2023-02-01. Review status: criteria provided, single submitter. Criteria: CeGaT Center For Human Genetics Tuebingen Variant Classification Criteria Version 2. Collection method: clinical testing. Allele origin: germline. Affected: yes. Observed: 1 variant allele.
Comment: LTBP2: BP4

Illumina Laboratory Services, Illumina
Classification: Uncertain significance for Weill-Marchesani syndrome. Last evaluated: 2018-01-13. Review status: criteria provided, single submitter. Criteria: ICSL Variant Classification Criteria 13 December 2019. Collection method: clinical testing. Allele origin: germline.

Illumina Laboratory Services, Illumina
Classification: Uncertain significance for Glaucoma 3, primary congenital, D. Last evaluated: 2018-01-13. Review status: criteria provided, single submitter. Criteria: ICSL Variant Classification Criteria 13 December 2019. Collection method: clinical testing. Allele origin: germline.

Center for Genomics, Ann and Robert H. Lurie Children's Hospital of Chicago
Classification: Uncertain significance for Weill-Marchesani syndrome 3. Last evaluated: 2017-08-01. Review status: criteria provided, single submitter. Criteria: ACMG Guidelines, 2015. Collection method: clinical testing. Allele origin: germline.
Comment: LTBP2 NM_000428.2 exon3 p.Ser273Leu (c.818C>T): This variant has not been reported in the literature but is present in 0.1% of South Asian individuals in the Genome Aggregation Database. This variant is present in ClinVar (Variation ID:314315). Evolutionary conservation and computational predictive tools suggest that this variant may not impact the protein. In summary, data on this variant is insufficient for disease classification. Therefore, the clinical significance of this variant is uncertain.